The following is an entry in ClinVar:

NM_006946.4(SPTBN2):c.2064C>T (p.Gly688=)

Gene: SPTBN2 (spectrin beta, non-erythrocytic 2; minus strand). Cytogenetic location: 11q13.2.
Variant type: single nucleotide variant.
Coding change: c.2064C>T on transcript NM_006946.4 (MANE Select); coding-DNA position 2064, C replaced by T.
Protein change: p.Gly688=; no amino-acid change (glycine 688 retained).
Molecular consequence: synonymous variant.
Genome position (GRCh38, 1-based): chr11:66,705,212, G>A on the plus strand (C>T on the coding strand, the complement: SPTBN2 is on the minus strand). VCF-style: chr11-66705212-G-A. GRCh37 (hg19) VCF-style: chr11-66472683-G-A.
Identifiers: ClinVar variation 305577 (VCV000305577.50), dbSNP rs376219874, ClinGen allele CA6129190.
Genomic context (GRCh38, chr11:66,705,212, plus strand): 5'-CACCAACTGCTGGCCCTGCTCCAGGGTGAGCTTCAGGGGCCCCAGCCGGCCGCTCATCTC[G>A]CCCCGCAGGGCTGTGTGCTTGTTGAGCAGGCGGAGGGCACCGGTCAGGTCTCGGCCCGTG-3'
Protein context (NP_008877.2, residues 678-698): RLLNKHTALR[Gly688=]EMSGRLGPLK

ClinVar aggregate classification (germline): Benign/Likely benign. Review status: criteria provided, multiple submitters, no conflicts (2 of 4 stars). 3 submissions from 3 submitters: Benign (1); Likely benign (2). Last evaluated 2026-08-01.

Allele frequency attached by ClinVar (database versions not stated): gnomAD exomes 0.00013; TOPMed 0.00015; gnomAD 0.00018 and 0.00021; ESP Exome Variant Server 0.00025; ExAC 0.00028.
gnomAD v4.1: 471 of 1,541,712 alleles (0.031%); highest among the groups gnomAD compares: Non-Finnish European, 0.038%; no homozygotes.

Submissions (3):

CeGaT Center for Human Genetics Tuebingen
Classification: Likely benign. Last evaluated: 2026-08-01. Review status: criteria provided, single submitter. Criteria: CeGaT Center For Human Genetics Tuebingen Variant Classification Criteria Version 2. Collection method: clinical testing. Allele origin: germline. Affected: yes. Observed: 3 variant alleles.
Comment: SPTBN2: BP4, BP7

Labcorp Genetics (formerly Invitae), Labcorp
Classification: Likely benign. Last evaluated: 2024-02-24. Review status: criteria provided, single submitter. Criteria: Invitae Variant Classification Sherloc (09022015). Collection method: clinical testing. Allele origin: germline.

Athena Diagnostics
Classification: Benign. Last evaluated: 2019-05-10. Review status: criteria provided, single submitter. Criteria: Athena Diagnostics Criteria. Collection method: clinical testing. Allele origin: germline.